The following is an entry in ClinVar:

NC_000020.10:g.(?_25281481)_(25284284_?)del

Gene: ABHD12 (abhydrolase domain containing 12, lysophospholipase; minus strand). Cytogenetic location: 20p11.21.
Variant type: Deletion.
Identifiers: ClinVar variation 2423576 (VCV002423576.4).

ClinVar aggregate classification (germline): Uncertain significance (1 of 4 stars; one submission).

Submission:

Labcorp Genetics (formerly Invitae), Labcorp
Classification: Uncertain significance. Last evaluated: 2022-02-23. Review status: criteria provided, single submitter. Criteria: Invitae Variant Classification Sherloc (09022015). Collection method: clinical testing. Allele origin: germline.
Comment: In summary, the available evidence is currently insufficient to determine the role of this variant in disease. Therefore, it has been classified as a Variant of Uncertain Significance. This variant disrupts a region of the ABHD12 protein in which other variant(s) (p.His372Gln) have been observed in individuals with ABHD12-related conditions (PMID: 24697911). This suggests that this is a clinically significant region of the protein, and that variants that disrupt it are likely to be disease-causing. This variant has not been reported in the literature in individuals affected with ABHD12-related conditions. This variant is a gross deletion of the genomic region encompassing exon(s) 11-13 of the ABHD12 gene, which includes the termination codon. This deletion extends beyond the assayed region for this gene and therefore may encompass additional genes. While this deletion is not anticipated to lead to nonsense mediated decay, it is expected to alter mRNA translation or result in a truncated protein product.

Literature cited by the submitters: PubMed 24697911.